The following is an entry in ClinVar:

ClinVar aggregate classification (germline): Conflicting classifications of pathogenicity. Review status: criteria provided, conflicting classifications (1 of 4 stars). 3 submissions from 3 submitters: Uncertain significance (2); Likely benign (1). Last evaluated 2025-11-17.

Conditions:
Hereditary nonpolyposis colorectal neoplasms. Identifiers: MedGen C0009405, MeSH D003123.
Hereditary cancer-predisposing syndrome. Also called: Neoplastic Syndromes, Hereditary; Tumor predisposition; Hereditary Cancer Syndrome; Hereditary neoplastic syndrome. Identifiers: Orphanet 140162, MedGen C0027672, MeSH D009386, MONDO:0015356.

Allele frequency attached by ClinVar (database versions not stated): gnomAD exomes below 0.00001 and 0.00001.
gnomAD v4.1: 11 of 1,614,124 alleles (0.00068%); highest among the groups gnomAD compares: South Asian, 0.0022%; no homozygotes.

Submissions (3):

Labcorp Genetics (formerly Invitae), Labcorp
Classification: Likely benign for Hereditary nonpolyposis colorectal neoplasms. Last evaluated: 2025-11-17. Review status: criteria provided, single submitter. Criteria: Invitae Variant Classification Sherloc (09022015). Collection method: clinical testing. Allele origin: germline.

Ambry Genetics
Classification: Uncertain significance for Hereditary cancer-predisposing syndrome. Last evaluated: 2025-09-10. Review status: criteria provided, single submitter. Criteria: Ambry Variant Classification Scheme 2023. Collection method: clinical testing. Allele origin: germline.
Comment: The p.A297V variant (also known as c.890C>T), located in coding exon 4 of the MSH6 gene, results from a C to T substitution at nucleotide position 890. The alanine at codon 297 is replaced by valine, an amino acid with similar properties. This amino acid position is not well conserved in available vertebrate species. In addition, this alteration is predicted to be tolerated by in silico analysis. Since supporting evidence is limited at this time, the clinical significance of this alteration remains unclear.

GeneDx
Classification: Uncertain significance. Last evaluated: 2022-05-02. Review status: criteria provided, single submitter. Criteria: GeneDx Variant Classification Process June 2021. Collection method: clinical testing. Allele origin: germline. Affected: yes.
Comment: Not observed at significant frequency in large population cohorts (gnomAD); In silico analysis supports that this missense variant does not alter protein structure/function; Has not been previously published as pathogenic or benign to our knowledge; This variant is associated with the following publications: (PMID: 21437237)

NM_000179.3(MSH6):c.890C>T (p.Ala297Val)

Gene: MSH6 (mutS homolog 6; plus strand). Cytogenetic location: 2p16.3.
Variant type: single nucleotide variant.
Coding change: c.890C>T on transcript NM_000179.3 (MANE Select); coding-DNA position 890, C replaced by T.
Protein change: p.Ala297Val; replaces alanine 297 with valine.
Molecular consequence: missense variant. On other transcripts: 5 prime UTR variant (2).
Genome position (GRCh38, 1-based): chr2:47,798,873, C>T. VCF-style: chr2-47798873-C-T. GRCh37 (hg19) VCF-style: chr2-48026012-C-T.
Other names: c.500C>T, p.Ala167Val (NM_001281492.2); c.-17C>T (NM_001281493.2, NM_001281494.2); short protein forms A297V, A167V.
Identifiers: ClinVar variation 525651 (VCV000525651.17), dbSNP rs1324211895, ClinGen allele CA346740686.